The following is an entry in ClinVar:

NM_172107.4(KCNQ2):c.1034G>T (p.Arg345Ile)

Gene: KCNQ2 (potassium voltage-gated channel subfamily Q member 2; minus strand). Cytogenetic location: 20q13.33.
Variant type: single nucleotide variant.
Coding change: c.1034G>T on transcript NM_172107.4 (MANE Select); coding-DNA position 1034, G replaced by T.
Protein change: p.Arg345Ile; replaces arginine 345 with isoleucine.
Molecular consequence: missense variant.
Genome position (GRCh38, 1-based): chr20:63,433,893, C>A on the plus strand (G>T on the coding strand, the complement: KCNQ2 is on the minus strand). VCF-style: chr20-63433893-C-A. GRCh37 (hg19) VCF-style: chr20-62065246-C-A.
Other names: c.1034G>T, p.Arg345Ile (NM_001382235.1, NM_004518.6, NM_172106.3 and 2 more transcripts); short protein forms R345I.
Identifiers: ClinVar variation 2074698 (VCV002074698.4), dbSNP rs2516364818, ClinGen allele CA409651271.

ClinVar aggregate classification (germline): Uncertain significance (1 of 4 stars; one submission).

Conditions:
Early-infantile DEE. Also called: Ohtahara syndrome; Early infantile epileptic encephalopathy with suppression bursts; Early infantile epileptic encephalopathy. Identifiers: Orphanet 1934, MedGen C0393706, MONDO:0800491.

Submission:

Labcorp Genetics (formerly Invitae), Labcorp
Classification: Uncertain significance for Early-infantile DEE. Last evaluated: 2022-01-04. Review status: criteria provided, single submitter. Criteria: Invitae Variant Classification Sherloc (09022015). Collection method: clinical testing. Allele origin: germline.
Comment: In summary, the available evidence is currently insufficient to determine the role of this variant in disease. Therefore, it has been classified as a Variant of Uncertain Significance. Advanced modeling of protein sequence and biophysical properties (such as structural, functional, and spatial information, amino acid conservation, physicochemical variation, residue mobility, and thermodynamic stability) performed at Invitae indicates that this missense variant is expected to disrupt KCNQ2 protein function. This variant has not been reported in the literature in individuals affected with KCNQ2-related conditions. This variant is not present in population databases (gnomAD no frequency). This sequence change replaces arginine, which is basic and polar, with isoleucine, which is neutral and non-polar, at codon 345 of the KCNQ2 protein (p.Arg345Ile).